The following is an entry in ClinVar:

NM_019066.5(MAGEL2):c.3008C>A (p.Ser1003Tyr)

Gene: MAGEL2 (MAGE family member L2; minus strand). Cytogenetic location: 15q11.2.
Variant type: single nucleotide variant.
Coding change: c.3008C>A on transcript NM_019066.5 (MANE Select); coding-DNA position 3008, C replaced by A.
Protein change: p.Ser1003Tyr; replaces serine 1003 with tyrosine.
Molecular consequence: missense variant.
Genome position (GRCh38, 1-based): chr15:23,644,735, G>T on the plus strand (C>A on the coding strand, the complement: MAGEL2 is on the minus strand). VCF-style: chr15-23644735-G-T. GRCh37 (hg19) VCF-style: chr15-23889882-G-T.
Other names: short protein forms S1003Y.
Identifiers: ClinVar variation 1806632 (VCV001806632.8), dbSNP rs781747956, ClinGen allele CA267658265.

ClinVar aggregate classification (germline): Uncertain significance. Review status: criteria provided, multiple submitters, no conflicts (2 of 4 stars). 4 submissions from 4 submitters: Uncertain significance (3). 1 of the submissions does not count toward it. Last evaluated 2025-05-21.

Conditions:
MAGEL2-related disorder. Also called: MAGEL2-related condition.
Inborn genetic diseases. Identifiers: MedGen C0950123, MeSH D030342.

Allele frequency attached by ClinVar (database versions not stated): gnomAD exomes below 0.00001; gnomAD 0.00001.
gnomAD v4.1: 3 of 1,613,724 alleles (0.00019%); highest among the groups gnomAD compares: Admixed American, 0.0017%; no homozygotes.

Submissions (4):

Ambry Genetics
Classification: Uncertain significance for Inborn genetic diseases. Last evaluated: 2025-05-21. Review status: criteria provided, single submitter. Criteria: Ambry Variant Classification Scheme 2023. Collection method: clinical testing. Allele origin: germline.

GeneDx
Classification: Uncertain significance. Last evaluated: 2024-08-10. Review status: criteria provided, single submitter. Criteria: GeneDx Variant Classification Process June 2021. Collection method: clinical testing. Allele origin: germline. Affected: yes.
Comment: Not observed at significant frequency in large population cohorts (gnomAD); In silico analysis indicates that this missense variant does not alter protein structure/function; Has not been previously published as pathogenic or benign to our knowledge

Labcorp Genetics (formerly Invitae), Labcorp
Classification: Uncertain significance. Last evaluated: 2022-08-09. Review status: criteria provided, single submitter. Criteria: Invitae Variant Classification Sherloc (09022015). Collection method: clinical testing. Allele origin: germline.
Comment: In summary, the available evidence is currently insufficient to determine the role of this variant in disease. Therefore, it has been classified as a Variant of Uncertain Significance. Experimental studies and prediction algorithms are not available or were not evaluated, and the functional significance of this variant is currently unknown. This variant has not been reported in the literature in individuals affected with MAGEL2-related conditions. This variant is present in population databases (rs781747956, gnomAD 0.007%). This sequence change replaces serine, which is neutral and polar, with tyrosine, which is neutral and polar, at codon 1003 of the MAGEL2 protein (p.Ser1003Tyr).

PreventionGenetics, part of Exact Sciences
Classification: Uncertain significance for MAGEL2-related condition. Last evaluated: 2023-12-21. Review status: no assertion criteria provided. Collection method: clinical testing. Allele origin: germline. Not counted in ClinVar's aggregate classification.
Comment: The MAGEL2 c.3008C>A variant is predicted to result in the amino acid substitution p.Ser1003Tyr. To our knowledge, this variant has not been reported in the literature or in a large population database, indicating this variant is rare. At this time, the clinical significance of this variant is uncertain due to the absence of conclusive functional and genetic evidence.